The following is an entry in ClinVar:

ClinVar aggregate classification (germline): Likely benign. Review status: criteria provided, multiple submitters, no conflicts (2 of 4 stars). 3 submissions from 3 submitters: Likely benign (3). Last evaluated 2023-12-01.

Conditions:
Inborn genetic diseases. Identifiers: MedGen C0950123, MeSH D030342.

Allele frequency attached by ClinVar (database versions not stated): gnomAD exomes 0.00001 and 0.00004; gnomAD 0.00002; ExAC 0.00004; TOPMed 0.00004.
gnomAD v4.1: 17 of 1,613,928 alleles (0.0011%); highest among the groups gnomAD compares: East Asian, 0.018%; 1 homozygote.

Submissions (3):

Ambry Genetics
Classification: Likely benign for Inborn genetic diseases. Last evaluated: 2023-12-01. Review status: criteria provided, single submitter. Criteria: Ambry Variant Classification Scheme 2023. Collection method: clinical testing. Allele origin: germline.

CeGaT Center for Human Genetics Tuebingen
Classification: Likely benign. Last evaluated: 2022-05-01. Review status: criteria provided, single submitter. Criteria: CeGaT Center For Human Genetics Tuebingen Variant Classification Criteria Version 2. Collection method: clinical testing. Allele origin: germline. Affected: yes. Observed: 1 variant allele.
Comment: VWF: BP4, BP7

Quest Diagnostics Nichols Institute San Juan Capistrano
Classification: Likely benign. Last evaluated: 2016-10-28. Review status: criteria provided, single submitter. Criteria: Quest Diagnostics criteria. Collection method: clinical testing. Allele origin: germline.

NM_000552.5(VWF):c.4800G>A (p.Ala1600=)

Gene: VWF (von Willebrand factor; minus strand). Cytogenetic location: 12p13.31.
Variant type: single nucleotide variant.
Coding change: c.4800G>A on transcript NM_000552.5 (MANE Select); coding-DNA position 4800, G replaced by A.
Protein change: p.Ala1600=; no amino-acid change (alanine 1600 retained).
Molecular consequence: synonymous variant.
Genome position (GRCh38, 1-based): chr12:6,018,618, C>T on the plus strand (G>A on the coding strand, the complement: VWF is on the minus strand). VCF-style: chr12-6018618-C-T. GRCh37 (hg19) VCF-style: chr12-6127784-C-T.
Identifiers: ClinVar variation 439341 (VCV000439341.34), dbSNP rs201264909, ClinGen allele CA6402455.